The following is an entry in ClinVar:

NM_004260.4(RECQL4):c.507A>G (p.Pro169=)

Gene: RECQL4 (RecQ like helicase 4; minus strand). Cytogenetic location: 8q24.3.
Variant type: single nucleotide variant.
Coding change: c.507A>G on transcript NM_004260.4 (MANE Select); coding-DNA position 507, A replaced by G.
Protein change: p.Pro169=; no amino-acid change (proline 169 retained).
Molecular consequence: synonymous variant.
Genome position (GRCh38, 1-based): chr8:144,516,612, T>C on the plus strand (A>G on the coding strand, the complement: RECQL4 is on the minus strand). VCF-style: chr8-144516612-T-C. GRCh37 (hg19) VCF-style: chr8-145741996-T-C.
Identifiers: ClinVar variation 414178 (VCV000414178.18), dbSNP rs755588645, ClinGen allele CA4949271.
Genomic context (GRCh38, chr8:144,516,612, plus strand): 5'-GCCAGGATCTAGGGAGCCCAGCCGCTGGCTCAGGGATGCCTGCAGATGCTGGAGCCGGCC[T>C]GGCCTTGGCTGGGGCTCAGGGAGCTGTGGAGGCTCATCACTGACTTTTTCTGCAAAGGAG-3'
Protein context (NP_004251.4, residues 159-179): PPQLPEPQPR[Pro169=]GRLQHLQASL

ClinVar aggregate classification (germline): Likely benign. Review status: criteria provided, multiple submitters, no conflicts (2 of 4 stars). 5 submissions from 5 submitters: Likely benign (4). 1 of the submissions does not count toward it. Last evaluated 2026-02-01.

Conditions:
Inborn genetic diseases. Identifiers: MedGen C0950123, MeSH D030342.
RECQL4-related disorder. Also called: RECQL4-related condition; RECQL4-related disorders.
Baller-Gerold syndrome (BGS). Also called: CRANIOSYNOSTOSIS WITH RADIAL DEFECTS. Identifiers: Orphanet 1225, MedGen C0265308, MONDO:0009039, OMIM 218600.

Allele frequency attached by ClinVar (database versions not stated): gnomAD 0.00005 and 0.00003; ExAC 0.00006; TOPMed 0.00006; gnomAD exomes 0.00015 and 0.00003.
gnomAD v4.1: 218 of 1,610,702 alleles (0.014%); highest among the groups gnomAD compares: Non-Finnish European, 0.017%; no homozygotes.

Submissions (5):

CeGaT Center for Human Genetics Tuebingen
Classification: Likely benign. Last evaluated: 2026-02-01. Review status: criteria provided, single submitter. Criteria: CeGaT Center For Human Genetics Tuebingen Variant Classification Criteria Version 2. Collection method: clinical testing. Allele origin: germline. Affected: yes. Observed: 1 variant allele.
Comment: RECQL4: BP4, BP7

Labcorp Genetics (formerly Invitae), Labcorp
Classification: Likely benign for Baller-Gerold syndrome. Last evaluated: 2026-01-25. Review status: criteria provided, single submitter. Criteria: Invitae Variant Classification Sherloc (09022015). Collection method: clinical testing. Allele origin: germline.

Ambry Genetics
Classification: Likely benign for Inborn genetic diseases. Last evaluated: 2024-11-17. Review status: criteria provided, single submitter. Criteria: Ambry Variant Classification Scheme 2023. Collection method: clinical testing. Allele origin: germline.

Blueprint Genetics
Classification: Likely benign. Last evaluated: 2024-10-08. Review status: criteria provided, single submitter. Criteria: ACMG Guidelines, 2015. Collection method: clinical testing. Allele origin: germline.

PreventionGenetics, part of Exact Sciences
Classification: Likely benign for RECQL4-related condition. Last evaluated: 2022-10-13. Review status: no assertion criteria provided. Collection method: clinical testing. Allele origin: germline. Not counted in ClinVar's aggregate classification.
Comment: This variant is classified as likely benign based on ACMG/AMP sequence variant interpretation guidelines (Richards et al. 2015 PMID: 25741868, with internal and published modifications).